The following is an entry in ClinVar:

NM_014855.3(AP5Z1):c.1645G>A (p.Val549Met)

Gene: AP5Z1 (adaptor related protein complex 5 subunit zeta 1; plus strand). Cytogenetic location: 7p22.1.
Variant type: single nucleotide variant.
Coding change: c.1645G>A on transcript NM_014855.3 (MANE Select); coding-DNA position 1645, G replaced by A.
Protein change: p.Val549Met; replaces valine 549 with methionine.
Molecular consequence: missense variant. On other transcripts: non-coding transcript variant (1).
Genome position (GRCh38, 1-based): chr7:4,788,889, G>A. VCF-style: chr7-4788889-G-A. GRCh37 (hg19) VCF-style: chr7-4828520-G-A.
Other names: c.1177G>A, p.Val393Met (NM_001364858.1); short protein forms V549M, V393M.
Identifiers: ClinVar variation 856806 (VCV000856806.7), dbSNP rs536448969, ClinGen allele CA4137954.

ClinVar aggregate classification (germline): Uncertain significance. Review status: criteria provided, multiple submitters, no conflicts (2 of 4 stars). 2 submissions from 2 submitters: Uncertain significance (2). Last evaluated 2025-08-08.

Conditions:
Inborn genetic diseases. Identifiers: MedGen C0950123, MeSH D030342.
Hereditary spastic paraplegia 48. Also called: Spastic paraplegia 48; SPASTIC PARAPLEGIA 48, AUTOSOMAL RECESSIVE. Identifiers: Orphanet 306511, MedGen C3150901, MONDO:0013342, OMIM 613647.

Allele frequency attached by ClinVar (database versions not stated): gnomAD exomes 0.00002; TOPMed 0.00002; ExAC 0.00003; gnomAD 0.00003 and 0.00004; 1000 Genomes Project 30x 0.00016; 1000 Genomes Project 0.00020.
gnomAD v4.1: 88 of 1,610,842 alleles (0.0055%); highest among the groups gnomAD compares: Middle Eastern, 0.033%; no homozygotes.

Submissions (2):

Ambry Genetics
Classification: Uncertain significance for Inborn genetic diseases. Last evaluated: 2025-08-08. Review status: criteria provided, single submitter. Criteria: Ambry Variant Classification Scheme 2023. Collection method: clinical testing. Allele origin: germline.

Labcorp Genetics (formerly Invitae), Labcorp
Classification: Uncertain significance for Hereditary spastic paraplegia 48. Last evaluated: 2022-08-10. Review status: criteria provided, single submitter. Criteria: Invitae Variant Classification Sherloc (09022015). Collection method: clinical testing. Allele origin: germline.
Comment: In summary, the available evidence is currently insufficient to determine the role of this variant in disease. Therefore, it has been classified as a Variant of Uncertain Significance. Algorithms developed to predict the effect of missense changes on protein structure and function are either unavailable or do not agree on the potential impact of this missense change (SIFT: "Deleterious"; PolyPhen-2: "Possibly Damaging"; Align-GVGD: "Class C0"). ClinVar contains an entry for this variant (Variation ID: 856806). This variant has not been reported in the literature in individuals affected with AP5Z1-related conditions. This variant is present in population databases (rs536448969, gnomAD 0.007%). This sequence change replaces valine, which is neutral and non-polar, with methionine, which is neutral and non-polar, at codon 549 of the AP5Z1 protein (p.Val549Met).